The following is an entry in ClinVar:

NM_014363.6(SACS):c.5742A>G (p.Arg1914=)

Gene: SACS (sacsin molecular chaperone; minus strand). Cytogenetic location: 13q12.12.
Variant type: single nucleotide variant.
Coding change: c.5742A>G on transcript NM_014363.6 (MANE Select); coding-DNA position 5742, A replaced by G.
Protein change: p.Arg1914=; no amino-acid change (arginine 1914 retained).
Molecular consequence: synonymous variant.
Genome position (GRCh38, 1-based): chr13:23,338,134, T>C on the plus strand (A>G on the coding strand, the complement: SACS is on the minus strand). VCF-style: chr13-23338134-T-C. GRCh37 (hg19) VCF-style: chr13-23912273-T-C.
Other names: c.5301A>G, p.Arg1767= (NM_001278055.2).
Identifiers: ClinVar variation 3342076 (VCV003342076.16).

ClinVar aggregate classification (germline): Likely benign (1 of 4 stars; one submission).

Submission:

CeGaT Center for Human Genetics Tuebingen
Classification: Likely benign. Last evaluated: 2024-08-01. Review status: criteria provided, single submitter. Criteria: CeGaT Center For Human Genetics Tuebingen Variant Classification Criteria Version 2. Collection method: clinical testing. Allele origin: germline. Affected: yes. Observed: 1 variant allele.
Comment: SACS: BP4, BP7